The following is an entry in ClinVar:

ClinVar aggregate classification (germline): Benign/Likely benign. Review status: criteria provided, multiple submitters, no conflicts (2 of 4 stars). 7 submissions from 7 submitters: Benign (1); Likely benign (5). 1 of the submissions does not count toward it. Last evaluated 2026-04-01.

Conditions:
Hereditary cancer-predisposing syndrome. Also called: Hereditary neoplastic syndrome; Hereditary Cancer Syndrome; Neoplastic Syndromes, Hereditary; Tumor predisposition. Identifiers: Orphanet 140162, MedGen C0027672, MeSH D009386, MONDO:0015356.
Cardiovascular phenotype. Identifiers: MedGen CN230736.
LZTR1-related disorder. Also called: LZTR1-related disorders; LZTR1-related condition.

Allele frequency attached by ClinVar (database versions not stated): ExAC 0.00022; 1000 Genomes Project 30x 0.00031; 1000 Genomes Project 0.00040; gnomAD 0.00046 and 0.00047; ESP Exome Variant Server 0.00092.
gnomAD v4.1: 194 of 1,613,614 alleles (0.012%); highest among the groups gnomAD compares: African/African-American, 0.17%; no homozygotes.

Submissions (7):

CeGaT Center for Human Genetics Tuebingen
Classification: Likely benign. Last evaluated: 2026-04-01. Review status: criteria provided, single submitter. Criteria: CeGaT Center For Human Genetics Tuebingen Variant Classification Criteria Version 2. Collection method: clinical testing. Allele origin: germline. Affected: yes. Observed: 1 variant allele.
Comment: LZTR1: BP4, BP7

Women's Health and Genetics/Laboratory Corporation of America, LabCorp
Classification: Likely benign. Last evaluated: 2026-03-03. Review status: criteria provided, single submitter. Criteria: LabCorp Variant Classification Summary - May 2015. Collection method: clinical testing. Allele origin: germline.

Labcorp Genetics (formerly Invitae), Labcorp
Classification: Benign. Last evaluated: 2026-02-03. Review status: criteria provided, single submitter. Criteria: Invitae Variant Classification Sherloc (09022015). Collection method: clinical testing. Allele origin: germline.

Blueprint Genetics
Classification: Likely benign. Last evaluated: 2022-09-06. Review status: criteria provided, single submitter. Criteria: ACMG Guidelines, 2015. Collection method: clinical testing. Allele origin: germline.

GeneDx
Classification: Likely benign. Last evaluated: 2021-02-08. Review status: criteria provided, single submitter. Criteria: GeneDx Variant Classification Process June 2021. Collection method: clinical testing. Allele origin: germline. Affected: yes.

Ambry Genetics
Classification: Likely benign for Cardiovascular phenotype; Hereditary cancer-predisposing syndrome. Last evaluated: 2020-08-18. Review status: criteria provided, single submitter. Criteria: Ambry Variant Classification Scheme 2023. Collection method: clinical testing. Allele origin: germline.

PreventionGenetics, part of Exact Sciences
Classification: Likely benign for LZTR1-related condition. Last evaluated: 2019-11-15. Review status: no assertion criteria provided. Collection method: clinical testing. Allele origin: germline. Not counted in ClinVar's aggregate classification.
Comment: This variant is classified as likely benign based on ACMG/AMP sequence variant interpretation guidelines (Richards et al. 2015 PMID: 25741868, with internal and published modifications).

NM_006767.4(LZTR1):c.2316C>T (p.Asn772=)

Gene: LZTR1 (leucine zipper like post translational regulator 1; plus strand). Cytogenetic location: 22q11.21.
Variant type: single nucleotide variant.
Coding change: c.2316C>T on transcript NM_006767.4 (MANE Select); coding-DNA position 2316, C replaced by T.
Protein change: p.Asn772=; no amino-acid change (asparagine 772 retained).
Molecular consequence: synonymous variant.
Genome position (GRCh38, 1-based): chr22:20,996,792, C>T. VCF-style: chr22-20996792-C-T. GRCh37 (hg19) VCF-style: chr22-21351081-C-T.
Identifiers: ClinVar variation 1169091 (VCV001169091.19), dbSNP rs140327903, ClinGen allele CA10119340.